The following is an entry in ClinVar:

ClinVar aggregate classification (germline): Pathogenic. Review status: criteria provided, single submitter (1 of 4 stars). 2 submissions from 2 submitters: Pathogenic (1). 1 of the submissions does not count toward it. Last evaluated 2026-09-08.

Conditions:
Fabry disease. Also called: Ceramide trihexosidosis; Fabry's disease; CERAMIDE TRIHEXOSIDASE DEFICIENCY; GLA DEFICIENCY; HEREDITARY DYSTOPIC LIPIDOSIS; ALPHA-GALACTOSIDASE A DEFICIENCY. Identifiers: Orphanet 324, MedGen C0002986, MONDO:0010526, OMIM 301500, HP:0001071. Disease mechanism: Fabry disease is due to inactivating mutations in the X-linked GLA gene resulting in deficiency of the enzyme Alpha Galactosidase-A., loss of function.

Submissions (2):

Genomenon, Inc
Classification: Pathogenic for Fabry disease. Last evaluated: 2026-09-08. Review status: criteria provided, single submitter. Criteria: Genomenon Sequence Variant Interpretation Standards - Updated. Collection method: curation. Allele origin: germline. Affected: yes.
Comment: GLA p.Trp287Ter (c.861G>A) is a nonsense variant that introduces a premature stop codon at amino acid position 287 and is predicted to result in a truncated or absent protein product. This variant has been observed in at least one proband with clinical features consistent with Fabry disease (PMID:8069316;36123934;34922431;28672034;37807078;8395937;37940383). The variant was found to segregate with disease in at least one affected family (PMID:28672034). At least one functional study has demonstrated a substantial alteration in protein function relative to the wild-type (PMID:23935525). It is absent or not present at a significant frequency in gnomAD. In conclusion, we classify GLA p.Trp287Ter (c.861G>A) as a pathogenic variant.

OMIM
Classification: Pathogenic for FABRY DISEASE. Last evaluated: 1993-07-01. Review status: no assertion criteria provided. Collection method: literature only. Allele origin: germline. Not counted in ClinVar's aggregate classification.

Literature cited by the submitters: PubMed 8069316 (cited by Genomenon, Inc); PubMed 36123934 (cited by Genomenon, Inc); PubMed 34922431 (cited by Genomenon, Inc); PubMed 28672034 (cited by Genomenon, Inc); PubMed 37807078 (cited by Genomenon, Inc); PubMed 8395937 (cited by Genomenon, Inc and OMIM); PubMed 37940383 (cited by Genomenon, Inc); PubMed 23935525 (cited by Genomenon, Inc).

NM_000169.3(GLA):c.861G>A (p.Trp287Ter)

Genes: GLA (galactosidase alpha; minus strand), RPL36A-HNRNPH2 (RPL36A-HNRNPH2 readthrough; plus strand). Cytogenetic location: Xq22.1.
Variant type: single nucleotide variant.
Coding change: c.861G>A on transcript NM_000169.3 (MANE Select); coding-DNA position 861, G replaced by A.
Protein change: p.Trp287Ter; replaces tryptophan 287 with a stop codon.
Molecular consequence: nonsense. On other transcripts: non-coding transcript variant (3), intron variant (2).
Genome position (GRCh38, 1-based): chrX:101,398,508, C>T on the plus strand (G>A on the coding strand, the complement: GLA is on the minus strand). VCF-style: chrX-101398508-C-T. GRCh37 (hg19) VCF-style: chrX-100653496-C-T.
Other names: c.984G>A, p.Trp328Ter (NM_001406747.1); c.861G>A, p.Trp287Ter (NM_001406748.1); c.300+3051C>T (NM_001199973.2); c.177+6686C>T (NM_001199974.2); short protein forms W287*, W328*.
Identifiers: ClinVar variation 10736 (VCV000010736.3), dbSNP rs104894839, ClinGen allele CA022128.